The following is an entry in ClinVar:

ClinVar aggregate classification (germline): Uncertain significance (1 of 4 stars; one submission).

Conditions:
RAB33B-related disorder. Also called: RAB33B-related condition.

gnomAD v4.1: 16 of 1,608,514 alleles (0.00099%); highest among the groups gnomAD compares: African/African-American, 0.021%; no homozygotes.

Submission:

PreventionGenetics, part of Exact Sciences
Classification: Uncertain significance for RAB33B-related condition. Last evaluated: 2025-07-21. Review status: criteria provided, single submitter. Criteria: ACMG Guidelines, 2015. Collection method: clinical testing. Allele origin: germline.
Comment: The RAB33B c.-4G>C variant is located in the 5' untranslated region. To our knowledge, this variant has not been reported in the literature. This variant is reported in 0.036% of alleles in individuals of African descent in gnomAD. Although we suspect that this variant may be benign, at this time, the clinical significance of this variant is uncertain due to the absence of conclusive functional and genetic evidence.

NM_031296.3(RAB33B):c.-4G>C

Gene: RAB33B (RAB33B, member RAS oncogene family; plus strand). Cytogenetic location: 4q31.1.
Variant type: single nucleotide variant.
Coding change: c.-4G>C on transcript NM_031296.3 (MANE Select); 4 bases upstream of the start codon, G replaced by C.
Molecular consequence: 5 prime UTR variant.
Genome position (GRCh38, 1-based): chr4:139,454,192, G>C. VCF-style: chr4-139454192-G-C. GRCh37 (hg19) VCF-style: chr4-140375346-G-C.
Identifiers: ClinVar variation 4980859 (VCV004980859.1).